The following is an entry in ClinVar:

NM_032251.6(CCDC88B):c.1728G>A (p.Pro576=)

Gene: CCDC88B (coiled-coil and HOOK domain protein 88B; plus strand). Cytogenetic location: 11q13.1.
Variant type: single nucleotide variant.
Coding change: c.1728G>A on transcript NM_032251.6 (MANE Select); coding-DNA position 1728, G replaced by A.
Protein change: p.Pro576=; no amino-acid change (proline 576 retained).
Molecular consequence: synonymous variant.
Genome position (GRCh38, 1-based): chr11:64,344,269, G>A. VCF-style: chr11-64344269-G-A. GRCh37 (hg19) VCF-style: chr11-64111741-G-A.
Identifiers: ClinVar variation 2641922 (VCV002641922.24), dbSNP rs553055480, ClinGen allele CA6074792.

ClinVar aggregate classification (germline): Likely benign (1 of 4 stars; one submission).

Allele frequency attached by ClinVar (database versions not stated): TOPMed 0.00006; gnomAD 0.00015; ExAC 0.00076; 1000 Genomes Project 30x 0.00094; 1000 Genomes Project 0.00100.
gnomAD v4.1: 481 of 1,613,754 alleles (0.03%); highest among the groups gnomAD compares: South Asian, 0.49%; 4 homozygotes.

Submission:

CeGaT Center for Human Genetics Tuebingen
Classification: Likely benign. Last evaluated: 2023-07-01. Review status: criteria provided, single submitter. Criteria: CeGaT Center For Human Genetics Tuebingen Variant Classification Criteria Version 2. Collection method: clinical testing. Allele origin: germline. Affected: yes. Observed: 1 variant allele.
Comment: CCDC88B: BP4, BP7, BS2